The following is an entry in ClinVar:

NM_001854.4(COL11A1):c.991-33T>A

Gene: COL11A1 (collagen type XI alpha 1 chain; minus strand). Cytogenetic location: 1p21.1.
Variant type: single nucleotide variant.
Coding change: c.991-33T>A on transcript NM_001854.4 (MANE Select); 33 bases into the intron before coding-DNA position 991, T replaced by A.
Molecular consequence: intron variant.
Genome position (GRCh38, 1-based): chr1:103,023,029, A>T on the plus strand (T>A on the coding strand, the complement: COL11A1 is on the minus strand). VCF-style: chr1-103023029-A-T. GRCh37 (hg19) VCF-style: chr1-103488585-A-T.
Other names: c.874-33T>A (NM_001190709.2); c.1027-33T>A (NM_080629.3); c.898-1260T>A (NM_080630.4).
Identifiers: ClinVar variation 3032673 (VCV003032673.2), dbSNP rs1378934875, ClinGen allele CA884761039.

ClinVar aggregate classification (germline): Likely benign (0 of 4 stars; one submission).

Conditions:
COL11A1-related disorder. Also called: COL11A1-related disorders; COL11A1-related condition.

Allele frequency attached by ClinVar (database versions not stated): TOPMed below 0.00001; gnomAD 0.00001; gnomAD exomes 0.00001.
gnomAD v4.1: 18 of 1,601,316 alleles (0.0011%); highest among the groups gnomAD compares: Non-Finnish European, 0.0015%; no homozygotes.

Submission:

PreventionGenetics, part of Exact Sciences
Classification: Likely benign for COL11A1-related condition. Last evaluated: 2023-09-25. Review status: no assertion criteria provided. Collection method: clinical testing. Allele origin: germline.
Comment: This variant is classified as likely benign based on ACMG/AMP sequence variant interpretation guidelines (Richards et al. 2015 PMID: 25741868, with internal and published modifications).